The following is an entry in ClinVar:

NM_025099.6(CTC1):c.1036C>G (p.Pro346Ala)

Gene: CTC1 (CST telomere replication complex component 1; minus strand). Cytogenetic location: 17p13.1.
Variant type: single nucleotide variant.
Coding change: c.1036C>G on transcript NM_025099.6 (MANE Select); coding-DNA position 1036, C replaced by G.
Protein change: p.Pro346Ala; replaces proline 346 with alanine.
Molecular consequence: missense variant. On other transcripts: non-coding transcript variant (1).
Genome position (GRCh38, 1-based): chr17:8,236,099, G>C on the plus strand (C>G on the coding strand, the complement: CTC1 is on the minus strand). VCF-style: chr17-8236099-G-C. GRCh37 (hg19) VCF-style: chr17-8139417-G-C.
Other names: short protein forms P346A.
Identifiers: ClinVar variation 1431535 (VCV001431535.6), dbSNP rs2151522938, ClinGen allele CA397987986.

ClinVar aggregate classification (germline): Uncertain significance (1 of 4 stars; one submission).

Conditions:
Dyskeratosis congenita. Identifiers: Orphanet 1775, MedGen C0265965, MONDO:0015780.

gnomAD v4.1: 4 of 1,614,196 alleles (0.00025%); highest among the groups gnomAD compares: Non-Finnish European, 0.00034%; no homozygotes.

Submission:

Labcorp Genetics (formerly Invitae), Labcorp
Classification: Uncertain significance for Dyskeratosis congenita. Last evaluated: 2021-09-24. Review status: criteria provided, single submitter. Criteria: Invitae Variant Classification Sherloc (09022015). Collection method: clinical testing. Allele origin: germline.
Comment: This sequence change replaces proline with alanine at codon 346 of the CTC1 protein (p.Pro346Ala). The proline residue is weakly conserved and there is a small physicochemical difference between proline and alanine. This variant is not present in population databases (ExAC no frequency). This variant has not been reported in the literature in individuals affected with CTC1-related conditions. Algorithms developed to predict the effect of missense changes on protein structure and function (SIFT, PolyPhen-2, Align-GVGD) all suggest that this variant is likely to be tolerated. In summary, the available evidence is currently insufficient to determine the role of this variant in disease. Therefore, it has been classified as a Variant of Uncertain Significance.